The following is an entry in ClinVar:

ClinVar aggregate classification (germline): Uncertain significance. Review status: criteria provided, multiple submitters, no conflicts (2 of 4 stars). 2 submissions from 2 submitters: Uncertain significance (2). Last evaluated 2026-03-31.

Conditions:
Inborn genetic diseases. Identifiers: MedGen C0950123, MeSH D030342.

Allele frequency attached by ClinVar (database versions not stated): gnomAD exomes 0.00001; gnomAD 0.00001.
gnomAD v4.1: 14 of 1,613,974 alleles (0.00087%); highest among the groups gnomAD compares: Admixed American, 0.0067%; no homozygotes.

Submissions (2):

Ambry Genetics
Classification: Uncertain significance for Inborn genetic diseases. Last evaluated: 2026-03-31. Review status: criteria provided, single submitter. Criteria: Ambry Variant Classification Scheme 2023. Collection method: clinical testing. Allele origin: germline.

Labcorp Genetics (formerly Invitae), Labcorp
Classification: Uncertain significance. Last evaluated: 2025-06-25. Review status: criteria provided, single submitter. Criteria: Invitae Variant Classification Sherloc (09022015). Collection method: clinical testing. Allele origin: germline.
Comment: This sequence change replaces arginine, which is basic and polar, with cysteine, which is neutral and slightly polar, at codon 628 of the BMP1 protein (p.Arg628Cys). This variant is present in population databases (no rsID available, gnomAD 0.006%). This variant has not been reported in the literature in individuals affected with BMP1-related conditions. ClinVar contains an entry for this variant (Variation ID: 2328409). Invitae Evidence Modeling of protein sequence and biophysical properties (such as structural, functional, and spatial information, amino acid conservation, physicochemical variation, residue mobility, and thermodynamic stability) indicates that this missense variant is not expected to disrupt BMP1 protein function with a negative predictive value of 80%. In summary, the available evidence is currently insufficient to determine the role of this variant in disease. Therefore, it has been classified as a Variant of Uncertain Significance.

NM_006129.5(BMP1):c.1882C>T (p.Arg628Cys)

Gene: BMP1 (bone morphogenetic protein 1; plus strand). Cytogenetic location: 8p21.3.
Variant type: single nucleotide variant.
Coding change: c.1882C>T on transcript NM_006129.5 (MANE Select); coding-DNA position 1882, C replaced by T.
Protein change: p.Arg628Cys; replaces arginine 628 with cysteine.
Molecular consequence: missense variant. On other transcripts: non-coding transcript variant (2).
Genome position (GRCh38, 1-based): chr8:22,196,796, C>T. VCF-style: chr8-22196796-C-T. GRCh37 (hg19) VCF-style: chr8-22054309-C-T.
Other names: c.1882C>T, p.Arg628Cys (NM_001199.4); short protein forms R628C.
Identifiers: ClinVar variation 2328409 (VCV002328409.4), dbSNP rs1343660145, ClinGen allele CA370498787.